The following is an entry in ClinVar:

ClinVar aggregate classification (germline): Uncertain significance (1 of 4 stars; one submission).

Conditions:
Cardiovascular phenotype. Identifiers: MedGen CN230736.

gnomAD v4.1: 1 of 1,614,000 alleles (0.000062%); highest among the groups gnomAD compares: African/African-American, 0.0013%; no homozygotes.

Submission:

Ambry Genetics
Classification: Uncertain significance for Cardiovascular phenotype. Last evaluated: 2024-04-09. Review status: criteria provided, single submitter. Criteria: Ambry Variant Classification Scheme 2023. Collection method: clinical testing. Allele origin: germline.
Comment: The p.N4549K variant (also known as c.13647C>G), located in coding exon 29 of the APOB gene, results from a C to G substitution at nucleotide position 13647. The asparagine at codon 4549 is replaced by lysine, an amino acid with similar properties. This amino acid position is conserved. In addition, this alteration is predicted to be tolerated by in silico analysis. Based on the available evidence, the clinical significance of this variant remains unclear.

NM_000384.3(APOB):c.13647C>G (p.Asn4549Lys)

Genes: APOB (apolipoprotein B; minus strand), APOB3'MAR (APOB 3' scaffold/matrix attachment region; plus strand). Cytogenetic location: 2p24.1.
Variant type: single nucleotide variant.
Coding change: c.13647C>G on transcript NM_000384.3 (MANE Select); coding-DNA position 13647, C replaced by G.
Protein change: p.Asn4549Lys; replaces asparagine 4549 with lysine.
Molecular consequence: missense variant.
Genome position (GRCh38, 1-based): chr2:21,001,775, G>C on the plus strand (C>G on the coding strand, the complement: APOB is on the minus strand). VCF-style: chr2-21001775-G-C. GRCh37 (hg19) VCF-style: chr2-21224647-G-C.
Other names: short protein forms N4549K.
Identifiers: ClinVar variation 3307610 (VCV003307610.1).